The following is an entry in ClinVar:

NM_000720.4(CACNA1D):c.1178G>T (p.Gly393Val)

Gene: CACNA1D (calcium voltage-gated channel subunit alpha1 D; plus strand). Cytogenetic location: 3p21.1.
Variant type: single nucleotide variant.
Coding change: c.1178G>T on transcript NM_000720.4 (MANE Plus Clinical); coding-DNA position 1178, G replaced by T.
Protein change: p.Gly393Val; replaces glycine 393 with valine.
Molecular consequence: missense variant. On other transcripts: intron variant (2).
Genome position (GRCh38, 1-based): chr3:53,673,774, G>T. VCF-style: chr3-53673774-G-T. GRCh37 (hg19) VCF-style: chr3-53707801-G-T.
Other names: c.1220+648G>T (NM_001128840.3, NM_001128839.3); short protein forms G393V.
Identifiers: ClinVar variation 1972283 (VCV001972283.5), dbSNP rs1261725668, ClinGen allele CA353384130.

ClinVar aggregate classification (germline): Uncertain significance (1 of 4 stars; one submission).

Allele frequency attached by ClinVar (database versions not stated): gnomAD exomes 0.00001.
gnomAD v4.1: 11 of 1,614,020 alleles (0.00068%); highest among the groups gnomAD compares: Non-Finnish European, 0.00093%; no homozygotes.

Submission:

Labcorp Genetics (formerly Invitae), Labcorp
Classification: Uncertain significance. Last evaluated: 2025-07-09. Review status: criteria provided, single submitter. Criteria: Invitae Variant Classification Sherloc (09022015). Collection method: clinical testing. Allele origin: germline.
Comment: This sequence change replaces glycine, which is neutral and non-polar, with valine, which is neutral and non-polar, at codon 393 of the CACNA1D protein (p.Gly393Val). This variant is present in population databases (no rsID available, gnomAD 0.0009%). This variant has not been reported in the literature in individuals affected with CACNA1D-related conditions. ClinVar contains an entry for this variant (Variation ID: 1972283). Invitae Evidence Modeling of protein sequence and biophysical properties (such as structural, functional, and spatial information, amino acid conservation, physicochemical variation, residue mobility, and thermodynamic stability) indicates that this missense variant is expected to disrupt CACNA1D protein function with a positive predictive value of 80%. In summary, the available evidence is currently insufficient to determine the role of this variant in disease. Therefore, it has been classified as a Variant of Uncertain Significance.